The following is an entry in ClinVar:

ClinVar aggregate classification (germline): Uncertain significance (1 of 4 stars; one submission).

gnomAD v4.1: 25 of 1,613,868 alleles (0.0015%); highest among the groups gnomAD compares: South Asian, 0.012%; no homozygotes.

Submission:

Women's Health and Genetics/Laboratory Corporation of America, LabCorp
Classification: Uncertain significance. Last evaluated: 2025-09-05. Review status: criteria provided, single submitter. Criteria: LabCorp Variant Classification Summary - May 2015. Collection method: clinical testing. Allele origin: germline.
Comment: Variant summary: ANKRD11 c.3806A>G (p.Lys1269Arg) results in a conservative amino acid change in the encoded protein sequence. Algorithms developed to predict the effect of missense changes on protein structure and function are either unavailable or do not agree on the potential impact of this missense change. The variant was absent in 251230 control chromosomes. The available data on variant occurrences in the general population are insufficient to allow any conclusion about variant significance. To our knowledge, no occurrence of c.3806A>G in individuals affected with ANKRD11-related conditions and no experimental evidence demonstrating its impact on protein function have been reported. No submitters have cited clinical-significance assessments for this variant to ClinVar. Based on the evidence outlined above, the variant was classified as uncertain significance.

NM_013275.6(ANKRD11):c.3806A>G (p.Lys1269Arg)

Gene: ANKRD11 (ankyrin repeat domain 11; minus strand). Cytogenetic location: 16q24.3.
Variant type: single nucleotide variant.
Coding change: c.3806A>G on transcript NM_013275.6 (MANE Select); coding-DNA position 3806, A replaced by G.
Protein change: p.Lys1269Arg; replaces lysine 1269 with arginine.
Molecular consequence: missense variant.
Genome position (GRCh38, 1-based): chr16:89,282,736, T>C on the plus strand (A>G on the coding strand, the complement: ANKRD11 is on the minus strand). VCF-style: chr16-89282736-T-C. GRCh37 (hg19) VCF-style: chr16-89349144-T-C.
Other names: c.3806A>G, p.Lys1269Arg (NM_001256182.2, NM_001256183.2); short protein forms K1269R.
Identifiers: ClinVar variation 4535746 (VCV004535746.1).